The following is an entry in ClinVar:

ClinVar aggregate classification (germline): Uncertain significance. Review status: criteria provided, multiple submitters, no conflicts (2 of 4 stars). 4 submissions from 4 submitters: Uncertain significance (3). 1 of the submissions does not count toward it. Last evaluated 2023-05-27.

Conditions:
Inborn genetic diseases. Identifiers: MedGen C0950123, MeSH D030342.
Medium-chain acyl-coenzyme A dehydrogenase deficiency (ACADMD). Also called: MCADH DEFICIENCY; MCADD; Medium chain acyl-CoA dehydrogenase deficiency; MCAD Deficiency; ACADM DEFICIENCY; CARNITINE DEFICIENCY SECONDARY TO MEDIUM-CHAIN ACYL-CoA DEHYDROGENASE DEFICIENCY. Identifiers: Orphanet 42, MedGen C0220710, MONDO:0008721, OMIM 201450.

Allele frequency attached by ClinVar (database versions not stated): gnomAD exomes below 0.00001.
gnomAD v4.1: 1 of 1,614,024 alleles (0.000062%); highest among the groups gnomAD compares: Non-Finnish European, 0.000085%; no homozygotes.

Submissions (4):

Ambry Genetics
Classification: Uncertain significance for Inborn genetic diseases. Last evaluated: 2023-05-27. Review status: criteria provided, single submitter. Criteria: Ambry Variant Classification Scheme 2023. Collection method: clinical testing. Allele origin: germline.
Comment: The p.V387L variant (also known as c.1159G>C), located in coding exon 11 of the ACADM gene, results from a G to C substitution at nucleotide position 1159. The valine at codon 387 is replaced by leucine, an amino acid with highly similar properties. This amino acid position is conserved. In addition, this alteration is predicted to be deleterious by in silico analysis. Since supporting evidence is limited at this time, the clinical significance of this alteration remains unclear.

Labcorp Genetics (formerly Invitae), Labcorp
Classification: Uncertain significance for Medium-chain acyl-coenzyme A dehydrogenase deficiency. Last evaluated: 2022-06-04. Review status: criteria provided, single submitter. Criteria: Invitae Variant Classification Sherloc (09022015). Collection method: clinical testing. Allele origin: germline.
Comment: Advanced modeling of protein sequence and biophysical properties (such as structural, functional, and spatial information, amino acid conservation, physicochemical variation, residue mobility, and thermodynamic stability) performed at Invitae indicates that this missense variant is expected to disrupt ACADM protein function. In summary, the available evidence is currently insufficient to determine the role of this variant in disease. Therefore, it has been classified as a Variant of Uncertain Significance. This variant is not present in population databases (gnomAD no frequency). This sequence change replaces valine, which is neutral and non-polar, with leucine, which is neutral and non-polar, at codon 387 of the ACADM protein (p.Val387Leu). This variant has not been reported in the literature in individuals affected with ACADM-related conditions. ClinVar contains an entry for this variant (Variation ID: 373816).

GeneDx
Classification: Uncertain significance. Last evaluated: 2016-12-13. Review status: criteria provided, single submitter. Criteria: GeneDx Variant Classification (06012015). Collection method: clinical testing. Allele origin: germline. Affected: yes.
Comment: The V387L variant has not been published as a pathogenic variant, nor has it been reported as a benign variant to our knowledge. The V387L variant was not observed in approximately 6500 individuals of European and African American ancestry in the NHLBI Exome Sequencing Project, indicating it is not a common benign variant in these populations. The V387L variant is a conservative amino acid substitution, which is not likely to impact secondary protein structure as these residues share similar properties. This substitution occurs at a position that is conserved across species. In silico analysis predicts this variant is probably damaging to the protein structure/function. In summary, based on the currently available information, it is unclear whether the V387L variant is a pathogenic variant or a rare benign variant.

Natera, Inc.
Classification: Uncertain significance for Medium Chain Acyl-CoA Dehydrogenase Deficiency. Last evaluated: 2020-03-27. Review status: no assertion criteria provided. Collection method: clinical testing. Allele origin: germline. Not counted in ClinVar's aggregate classification.

NM_000016.6(ACADM):c.1159G>C (p.Val387Leu)

Gene: ACADM (acyl-CoA dehydrogenase medium chain; plus strand). Cytogenetic location: 1p31.1.
Variant type: single nucleotide variant.
Coding change: c.1159G>C on transcript NM_000016.6 (MANE Select); coding-DNA position 1159, G replaced by C.
Protein change: p.Val387Leu; replaces valine 387 with leucine.
Molecular consequence: missense variant.
Genome position (GRCh38, 1-based): chr1:75,761,335, G>C. VCF-style: chr1-75761335-G-C. GRCh37 (hg19) VCF-style: chr1-76227020-G-C.
Other names: c.1171G>C, p.Val391Leu (NM_001127328.3); c.1051G>C, p.Val351Leu (NM_001286042.2); c.1258G>C, p.Val420Leu (NM_001286043.2); c.592G>C, p.Val198Leu (NM_001286044.2); short protein forms V387L, V351L, V198L, V420L, V391L.
Identifiers: ClinVar variation 373816 (VCV000373816.9), dbSNP rs1057518630, ClinGen allele CA16042330.